The following is an entry in ClinVar:

ClinVar aggregate classification (germline): Uncertain significance (1 of 4 stars; one submission).

Allele frequency attached by ClinVar (database versions not stated): gnomAD exomes below 0.00001.
gnomAD v4.1: 2 of 1,614,154 alleles (0.00012%); highest among the groups gnomAD compares: Non-Finnish European, 0.00017%; no homozygotes.

Submission:

GeneDx
Classification: Uncertain significance. Last evaluated: 2018-05-02. Review status: criteria provided, single submitter. Criteria: GeneDx Variant Classification (06012015). Collection method: clinical testing. Allele origin: germline. Affected: yes.
Comment: A variant of uncertain significance has been identified in the PRICKLE1 gene.The E654K variant has not been published as a pathogenic variant, nor has it been reported as a benign variant to our knowledge. The E654K variant is not observed in large population cohorts (Lek et al., 2016). The E654K variant is a non-conservative amino acid substitution, which is likely to impact secondary protein structure as these residues differ in polarity, charge, size and/or other properties. However, in-silico analyses, including protein predictors and evolutionary conservation, support that this variant does not alter protein structure/function. Therefore, based on the currently available information, it is unclear whether this variant is a pathogenic variant or a rare benign variant.

NM_153026.3(PRICKLE1):c.1960G>A (p.Glu654Lys)

Gene: PRICKLE1 (prickle planar cell polarity protein 1; minus strand). Cytogenetic location: 12q12.
Variant type: single nucleotide variant.
Coding change: c.1960G>A on transcript NM_153026.3 (MANE Select); coding-DNA position 1960, G replaced by A.
Protein change: p.Glu654Lys; replaces glutamic acid 654 with lysine.
Molecular consequence: missense variant.
Genome position (GRCh38, 1-based): chr12:42,460,345, C>T on the plus strand (G>A on the coding strand, the complement: PRICKLE1 is on the minus strand). VCF-style: chr12-42460345-C-T. GRCh37 (hg19) VCF-style: chr12-42854147-C-T.
Other names: c.1960G>A, p.Glu654Lys (NM_001144881.2, NM_001144882.2, NM_001144883.2); short protein forms E654K.
Identifiers: ClinVar variation 546186 (VCV000546186.2), dbSNP rs1555229356, ClinGen allele CA384440504.